The following is an entry in ClinVar:

NM_000390.4(CHM):c.217C>T (p.Pro73Ser)

Gene: CHM (CHM Rab escort protein; minus strand). Cytogenetic location: Xq21.2.
Variant type: single nucleotide variant.
Coding change: c.217C>T on transcript NM_000390.4 (MANE Select); coding-DNA position 217, C replaced by T.
Protein change: p.Pro73Ser; replaces proline 73 with serine.
Molecular consequence: missense variant. On other transcripts: 5 prime UTR variant (4).
Genome position (GRCh38, 1-based): chrX:85,978,864, G>A on the plus strand (C>T on the coding strand, the complement: CHM is on the minus strand). VCF-style: chrX-85978864-G-A. GRCh37 (hg19) VCF-style: chrX-85233868-G-A.
Other names: c.-228C>T (NM_001362517.1, NM_001320959.1); c.-224C>T (NM_001362518.2, NM_001362519.1); c.217C>T, p.Pro73Ser (NM_001145414.4); c.217C>T (NM_000390.2, NM_000390.3); short protein forms P73S.
Identifiers: ClinVar variation 1095317 (VCV001095317.12), dbSNP rs775421659, ClinGen allele CA10465620.

ClinVar aggregate classification (germline): Likely benign. Review status: criteria provided, multiple submitters, no conflicts (2 of 4 stars). 4 submissions from 4 submitters: Likely benign (4). Last evaluated 2026-01-12.

Conditions:
Inborn genetic diseases. Identifiers: MedGen C0950123, MeSH D030342.
CHM-related disorder. Also called: CHM-related condition.

Allele frequency attached by ClinVar (database versions not stated): ExAC 0.00004; gnomAD 0.00010 and 0.00011; TOPMed 0.00017.
gnomAD v4.1: 25 of 1,204,827 alleles (0.0021%); highest among the groups gnomAD compares: African/African-American, 0.023%; no homozygotes.

Submissions (4):

Labcorp Genetics (formerly Invitae), Labcorp
Classification: Likely benign. Last evaluated: 2026-01-12. Review status: criteria provided, single submitter. Criteria: Invitae Variant Classification Sherloc (09022015). Collection method: clinical testing. Allele origin: germline.

PreventionGenetics, part of Exact Sciences
Classification: Likely benign for CHM-related condition. Last evaluated: 2025-08-22. Review status: criteria provided, single submitter. Criteria: ACMG Guidelines, 2015. Collection method: clinical testing. Allele origin: germline.
Comment: This variant is classified as likely benign based on ACMG/AMP sequence variant interpretation guidelines (Richards et al. 2015 PMID: 25741868, with internal and published modifications).

Ambry Genetics
Classification: Likely benign for Inborn genetic diseases. Last evaluated: 2024-10-12. Review status: criteria provided, single submitter. Criteria: Ambry Variant Classification Scheme 2023. Collection method: clinical testing. Allele origin: germline.

Blueprint Genetics
Classification: Likely benign. Last evaluated: 2021-12-14. Review status: criteria provided, single submitter. Criteria: ACMG Guidelines, 2015. Collection method: clinical testing. Allele origin: germline.